The following is an entry in ClinVar:

NM_001378452.1(ITPR1):c.6771C>G (p.Asp2257Glu)

Gene: ITPR1 (inositol 1,4,5-trisphosphate receptor type 1; plus strand). Cytogenetic location: 3p26.1.
Variant type: single nucleotide variant.
Coding change: c.6771C>G on transcript NM_001378452.1 (MANE Select); coding-DNA position 6771, C replaced by G.
Protein change: p.Asp2257Glu; replaces aspartic acid 2257 with glutamic acid.
Molecular consequence: missense variant.
Genome position (GRCh38, 1-based): chr3:4,788,102, C>G. VCF-style: chr3-4788102-C-G. GRCh37 (hg19) VCF-style: chr3-4829786-C-G.
Other names: c.6627C>G, p.Asp2209Glu (NM_001099952.4); c.6726C>G, p.Asp2242Glu (NM_001168272.2); c.6582C>G, p.Asp2194Glu (NM_002222.7); short protein forms D2194E, D2242E, D2209E, D2257E.
Identifiers: ClinVar variation 1349146 (VCV001349146.8), dbSNP rs748551485, ClinGen allele CA351640809.
Genomic context (GRCh38, chr3:4,788,102, plus strand): 5'-TACTACAGAGAGAGACGAACAAGGCAGCAAAATCAATGATTTCTTTCTGCGGTCTGAAGA[C>G]CTCTTCAATGAAATGAATTGGCAGAAGAAACTGAGAGGTGGGTTCCAACGCATCAGCAAC-3'
Protein context (NP_001365381.1, residues 2247-2267): KINDFFLRSE[Asp2257Glu]LFNEMNWQKK

ClinVar aggregate classification (germline): Uncertain significance (1 of 4 stars; one submission).

Submission:

Labcorp Genetics (formerly Invitae), Labcorp
Classification: Uncertain significance. Last evaluated: 2020-12-23. Review status: criteria provided, single submitter. Criteria: Invitae Variant Classification Sherloc (09022015). Collection method: clinical testing. Allele origin: germline.
Comment: This sequence change replaces aspartic acid with glutamic acid at codon 2194 of the ITPR1 protein (p.Asp2194Glu). The aspartic acid residue is moderately conserved and there is a small physicochemical difference between aspartic acid and glutamic acid. In summary, the available evidence is currently insufficient to determine the role of this variant in disease. Therefore, it has been classified as a Variant of Uncertain Significance. Algorithms developed to predict the effect of missense changes on protein structure and function (SIFT, PolyPhen-2, Align-GVGD) all suggest that this variant is likely to be tolerated, but these predictions have not been confirmed by published functional studies and their clinical significance is uncertain. This variant has not been reported in the literature in individuals with ITPR1-related conditions. This variant is not present in population databases (ExAC no frequency).